The following is an entry in ClinVar:

ClinVar aggregate classification (germline): Pathogenic. Review status: criteria provided, multiple submitters, no conflicts (2 of 4 stars). 2 submissions from 2 submitters: Pathogenic (2). Last evaluated 2024-05-14.

Conditions:
Primary ciliary dyskinesia 3. Identifiers: Orphanet 244, MedGen C1837618, MONDO:0012085, OMIM 608644.
Primary ciliary dyskinesia. Also called: Ciliary dyskinesia. Identifiers: Orphanet 244, MedGen C0008780, MONDO:0016575, HP:0012265.

Submissions (2):

Myriad Genetics, Inc.
Classification: Pathogenic for Primary ciliary dyskinesia 3. Last evaluated: 2024-05-14. Review status: criteria provided, single submitter. Criteria: Myriad Autosomal Dominant, Autosomal Recessive and X-Linked Classification Criteria (2023). Collection method: clinical testing. Allele origin: unknown.
Comment: NM_001369.2(DNAH5):c.9877G>T(E3293*) is expected to be pathogenic in the context of primary ciliary dyskinesia, DNAH5-related. This variant is predicted to lead to an abnormal or absent protein product due to the creation of a premature termination codon in DNAH5, a gene where loss-of-function variants are known to be pathogenic. Please note: this variant was assessed in the context of healthy population screening.

Labcorp Genetics (formerly Invitae), Labcorp
Classification: Pathogenic for Primary ciliary dyskinesia. Last evaluated: 2021-02-12. Review status: criteria provided, single submitter. Criteria: Invitae Variant Classification Sherloc (09022015). Collection method: clinical testing. Allele origin: germline.
Comment: This sequence change creates a premature translational stop signal (p.Glu3293*) in the DNAH5 gene. It is expected to result in an absent or disrupted protein product. This variant is not present in population databases (ExAC no frequency). This variant has been observed in individual(s) with primary ciliary dyskinesia (PMID: 31469207). Loss-of-function variants in DNAH5 are known to be pathogenic (PMID: 11788826, 16627867). For these reasons, this variant has been classified as Pathogenic.

Literature cited by the submitters: PubMed 31469207 (cited by Labcorp Genetics (formerly Invitae), Labcorp); PubMed 11788826 (cited by Labcorp Genetics (formerly Invitae), Labcorp); PubMed 16627867 (cited by Labcorp Genetics (formerly Invitae), Labcorp).

NM_001369.3(DNAH5):c.9877G>T (p.Glu3293Ter)

Gene: DNAH5 (dynein axonemal heavy chain 5; minus strand). Cytogenetic location: 5p15.2.
Variant type: single nucleotide variant.
Coding change: c.9877G>T on transcript NM_001369.3 (MANE Select); coding-DNA position 9877, G replaced by T.
Protein change: p.Glu3293Ter; replaces glutamic acid 3293 with a stop codon.
Molecular consequence: nonsense.
Genome position (GRCh38, 1-based): chr5:13,768,980, C>A on the plus strand (G>T on the coding strand, the complement: DNAH5 is on the minus strand). VCF-style: chr5-13768980-C-A. GRCh37 (hg19) VCF-style: chr5-13769089-C-A.
Other names: short protein forms E3293*.
Identifiers: ClinVar variation 1073261 (VCV001073261.10), dbSNP rs2126775977, ClinGen allele CA359201339.